The following is an entry in ClinVar:

NM_000093.5(COL5A1):c.722G>A (p.Ser241Asn)

Gene: COL5A1 (collagen type V alpha 1 chain; plus strand). Cytogenetic location: 9q34.3.
Variant type: single nucleotide variant.
Coding change: c.722G>A on transcript NM_000093.5 (MANE Select); coding-DNA position 722, G replaced by A.
Protein change: p.Ser241Asn; replaces serine 241 with asparagine.
Molecular consequence: missense variant.
Genome position (GRCh38, 1-based): chr9:134,727,333, G>A. VCF-style: chr9-134727333-G-A. GRCh37 (hg19) VCF-style: chr9-137619179-G-A.
Other names: c.722G>A, p.Ser241Asn (NM_001278074.1); short protein forms S241N.
Identifiers: ClinVar variation 2721896 (VCV002721896.3), dbSNP rs1834700294, ClinGen allele CA375446336.

ClinVar aggregate classification (germline): Uncertain significance (1 of 4 stars; one submission).

Conditions:
Ehlers-Danlos syndrome, classic type, 1 (EDSCL1). Also called: EHLERS-DANLOS SYNDROME, GRAVIS TYPE; EHLERS-DANLOS SYNDROME, SEVERE CLASSIC TYPE; Ehlers-Danlos syndrome, type 1; Ehlers-Danlos Syndrome, Classic Type, COL5A1-Related; EDS I. Identifiers: MedGen C0268335, MONDO:0019567, OMIM 130000.

Allele frequency attached by ClinVar (database versions not stated): gnomAD exomes below 0.00001; TOPMed below 0.00001.

Submission:

Labcorp Genetics (formerly Invitae), Labcorp
Classification: Uncertain significance for Ehlers-Danlos syndrome, classic type, 1. Last evaluated: 2023-01-19. Review status: criteria provided, single submitter. Criteria: Invitae Variant Classification Sherloc (09022015). Collection method: clinical testing. Allele origin: germline.
Comment: This sequence change replaces serine, which is neutral and polar, with asparagine, which is neutral and polar, at codon 241 of the COL5A1 protein (p.Ser241Asn). This variant is not present in population databases (gnomAD no frequency). This variant has not been reported in the literature in individuals affected with COL5A1-related conditions. Advanced modeling of protein sequence and biophysical properties (such as structural, functional, and spatial information, amino acid conservation, physicochemical variation, residue mobility, and thermodynamic stability) performed at Invitae indicates that this missense variant is not expected to disrupt COL5A1 protein function. In summary, the available evidence is currently insufficient to determine the role of this variant in disease. Therefore, it has been classified as a Variant of Uncertain Significance.